The following is an entry in ClinVar:

NM_024596.5(MCPH1):c.321dup (p.Arg108fs)

Gene: MCPH1 (microcephalin 1; plus strand). Cytogenetic location: 8p23.1.
Variant type: Duplication.
Coding change: c.321dup on transcript NM_024596.5 (MANE Select); coding-DNA position 321, one base duplicated (A; older notation c.321dupA).
Protein change: p.Arg108fs; shifts the reading frame from arginine 108.
Molecular consequence: frameshift variant. On other transcripts: non-coding transcript variant (1).
Genome position (GRCh38, 1-based): chr8:6,431,586, A duplicated; the last of 9 consecutive A bases (chr8:6,431,578-6,431,586); duplicating any one gives the same sequence. VCF-style (leftmost placement, unchanged base first): chr8-6431577-T-TA. GRCh37 (hg19) VCF-style: chr8-6289098-T-TA.
Other names: c.321dup, p.Arg108fs (NM_001172574.2, NM_001172575.2, NM_001322042.2 and 2 more transcripts); c.315dup, p.Arg106fs (NM_001322043.2); c.219dup, p.Arg74fs (NM_001322045.2); c.321dupA (NM_024596.5); c.321dup (NM_024596.3); short protein forms R106fs, R108fs, R74fs.
Identifiers: ClinVar variation 523934 (VCV000523934.10), dbSNP rs759663956, ClinGen allele CA4610168.

ClinVar aggregate classification (germline): Pathogenic. Review status: criteria provided, multiple submitters, no conflicts (2 of 4 stars). 4 submissions from 4 submitters: Pathogenic (4). Last evaluated 2025-12-14.

Conditions:
Microcephaly 1, primary, autosomal recessive (MCPH1). Also called: PREMATURE CHROMOSOME CONDENSATION SYNDROME; PCC SYNDROME; PREMATURE CHROMOSOME CONDENSATION WITH MICROCEPHALY AND MENTAL RETARDATION. Identifiers: Orphanet 2512, MedGen C1855081, MONDO:0009617, OMIM 251200.

Submissions (4):

Labcorp Genetics (formerly Invitae), Labcorp
Classification: Pathogenic. Last evaluated: 2025-12-14. Review status: criteria provided, single submitter. Criteria: Invitae Variant Classification Sherloc (09022015). Collection method: clinical testing. Allele origin: germline.
Comment: This sequence change creates a premature translational stop signal (Splice site) in the MCPH1 gene. It is expected to result in an absent or disrupted protein product. Loss-of-function variants in MCPH1 are known to be pathogenic (PMID: 20978018). The frequency data for this variant in the population databases is considered unreliable, as metrics indicate poor data quality at this position in the gnomAD database. This premature translational stop signal has been observed in individual(s) with primary microcephaly (PMID: 34402213). ClinVar contains an entry for this variant (Variation ID: 523934). For these reasons, this variant has been classified as Pathogenic.

GeneDx
Classification: Pathogenic. Last evaluated: 2023-11-13. Review status: criteria provided, single submitter. Criteria: GeneDx Variant Classification Process June 2021. Collection method: clinical testing. Allele origin: germline. Affected: yes.
Comment: Not observed at significant frequency in large population cohorts (gnomAD); Frameshift variant predicted to result in protein truncation or nonsense mediated decay in a gene for which loss of function is a known mechanism of disease; This variant is associated with the following publications: (PMID: 27718016, 34402213)

Laboratory of Human Genetics, Universidade de São Paulo
Classification: Pathogenic for Microcephaly 1, primary, autosomal recessive. Last evaluated: 2022-05-13. Review status: criteria provided, single submitter. Criteria: ACMG Guidelines, 2015. Collection method: research. Allele origin: biparental. Affected: yes. Observed: 1 homozygote.
Comment: This variant meets our criteria to be classified as pathogenic based upon segregation studies, extremely low frequency, and in-silico evaluation of pathogenicity.

Child Neurology Department, Hôpital Universitaire de Bruxelles
Classification: Pathogenic for Microcephaly 1, primary, autosomal recessive. Last evaluated: 2020-01-01. Review status: criteria provided, single submitter. Criteria: ACMG Guidelines, 2015. Collection method: clinical testing. Allele origin: inherited. Affected: yes.

Literature cited by the submitters: PubMed 20978018 (cited by Labcorp Genetics (formerly Invitae), Labcorp); PubMed 34402213 (cited by Labcorp Genetics (formerly Invitae), Labcorp).